The following is an entry in ClinVar:

ClinVar aggregate classification (germline): Likely benign (1 of 4 stars; one submission).

Conditions:
Primary dilated cardiomyopathy (DCM). Also called: Dilated Cardiomyopathy. Identifiers: Orphanet 217604, MedGen C0007193, MeSH D002311, MONDO:0005021, HP:0001644. Inheritance: Various modes of inheritance.

Submission:

All of Us Research Program, National Institutes of Health
Classification: Likely benign for Primary dilated cardiomyopathy. Last evaluated: 2023-11-20. Review status: criteria provided, single submitter. Criteria: ACMG Guidelines, 2015. Collection method: clinical testing. Allele origin: germline. Inheritance: Autosomal dominant inheritance. Observed: 1 variant allele, 1 heterozygote.
Comment: This study involves interpretation of variants in research participants for the purpose of population health screening. Participant phenotype was not available at the time of variant classification. Additional details can be found in publication PMID: 35346344, PMCID: PMC8962531

NM_170707.4(LMNA):c.937-6dup

Gene: LMNA (lamin A/C; plus strand). Cytogenetic location: 1q22.
Variant type: Duplication.
Coding change: c.937-6dup on transcript NM_170707.4 (MANE Select); 6 bases into the intron before coding-DNA position 937, one base duplicated (C; older notation c.937-6dupC).
Molecular consequence: intron variant. On other transcripts: frameshift variant (4).
Genome position (GRCh38, 1-based): chr1:156,135,895, C duplicated; the last of 6 consecutive C bases (chr1:156,135,890-156,135,895); duplicating any one gives the same sequence. VCF-style (leftmost placement, unchanged base first): chr1-156135889-A-AC. GRCh37 (hg19) VCF-style: chr1-156105680-A-AC.
Other names: c.307dup, p.Leu103fs (NM_001406994.1, NM_001406999.1, NM_001407000.1 and 1 more transcripts); c.937-6dup (NM_001406983.1, NM_001282625.2, NM_001406984.1 and 6 more transcripts); c.379-6dup (NM_001407002.1, NM_001406993.1, NM_001407003.1 and 4 more transcripts); c.694-6dup (NM_001406986.1, NM_001406987.1, NM_001282624.2); c.601-6dup (NM_001406989.1, NM_001257374.3, NM_001406998.1); c.640-6dup (NM_001406988.1); short protein forms L103fs.
Identifiers: ClinVar variation 3074437 (VCV003074437.1), dbSNP rs1651529758, ClinGen allele CA1200472372.